The following is an entry in ClinVar:

NM_001130823.3(DNMT1):c.4381C>T (p.Arg1461Trp)

Gene: DNMT1 (DNA methyltransferase 1; minus strand). Cytogenetic location: 19p13.2.
Variant type: single nucleotide variant.
Coding change: c.4381C>T on transcript NM_001130823.3 (MANE Select); coding-DNA position 4381, C replaced by T.
Protein change: p.Arg1461Trp; replaces arginine 1461 with tryptophan.
Molecular consequence: missense variant.
Genome position (GRCh38, 1-based): chr19:10,137,193, G>A on the plus strand (C>T on the coding strand, the complement: DNMT1 is on the minus strand). VCF-style: chr19-10137193-G-A. GRCh37 (hg19) VCF-style: chr19-10247869-G-A.
Other names: c.4333C>T, p.Arg1445Trp (NM_001318730.2, NM_001379.4); c.4018C>T, p.Arg1340Trp (NM_001318731.2); short protein forms R1461W, R1445W, R1340W.
Identifiers: ClinVar variation 2897802 (VCV002897802.3), dbSNP rs769675693, ClinGen allele CA9187526.
Genomic context (GRCh38, chr19:10,137,193, plus strand): 5'-CGTTCTTCCTGTCATGGTGGGTATACCGCAGCTTCCTGGCCATGGTGCCGTCTGAGAGCC[G>A]CACCTCGATGTTGGGCAGATCGCGCCAGTCTGACCCTGGGGCCAAGGGGATGTGCCGCAT-3'
Protein context (NP_001124295.1, residues 1451-1471): DWRDLPNIEV[Arg1461Trp]LSDGTMARKL

ClinVar aggregate classification (germline): Uncertain significance (1 of 4 stars; one submission).

Conditions:
Hereditary sensory neuropathy-deafness-dementia syndrome. Also called: Hereditary sensory neuropathy type IE; Hereditary Sensory and Autonomic Neuropathy Type 1E (HSAN1E); HSN IE; NEUROPATHY, HEREDITARY SENSORY, WITH HEARING LOSS AND DEMENTIA. Identifiers: Orphanet 456318, MedGen C3279885, MONDO:0013584, OMIM 614116.

Allele frequency attached by ClinVar (database versions not stated): TOPMed below 0.00001; gnomAD exomes 0.00001; ExAC 0.00002.
gnomAD v4.1: 13 of 1,609,960 alleles (0.00081%); highest among the groups gnomAD compares: African/African-American, 0.0013%; no homozygotes.

Submission:

Labcorp Genetics (formerly Invitae), Labcorp
Classification: Uncertain significance for Hereditary sensory neuropathy-deafness-dementia syndrome. Last evaluated: 2024-05-13. Review status: criteria provided, single submitter. Criteria: Invitae Variant Classification Sherloc (09022015). Collection method: clinical testing. Allele origin: germline.
Comment: This sequence change replaces arginine, which is basic and polar, with tryptophan, which is neutral and slightly polar, at codon 1461 of the DNMT1 protein (p.Arg1461Trp). The frequency data for this variant in the population databases is considered unreliable, as metrics indicate poor data quality at this position in the gnomAD database. This variant has not been reported in the literature in individuals affected with DNMT1-related conditions. Advanced modeling of protein sequence and biophysical properties (such as structural, functional, and spatial information, amino acid conservation, physicochemical variation, residue mobility, and thermodynamic stability) performed at Invitae indicates that this missense variant is not expected to disrupt DNMT1 protein function with a negative predictive value of 80%. In summary, the available evidence is currently insufficient to determine the role of this variant in disease. Therefore, it has been classified as a Variant of Uncertain Significance.